The following is an entry in ClinVar:

NM_021942.6(TRAPPC11):c.1208-4G>A

Gene: TRAPPC11 (trafficking protein particle complex subunit 11; plus strand). Cytogenetic location: 4q35.1.
Variant type: single nucleotide variant.
Coding change: c.1208-4G>A on transcript NM_021942.6 (MANE Select); 4 bases into the intron before coding-DNA position 1208, G replaced by A.
Molecular consequence: intron variant.
Genome position (GRCh38, 1-based): chr4:183,683,971, G>A. VCF-style: chr4-183683971-G-A. GRCh37 (hg19) VCF-style: chr4-184605124-G-A.
Other names: c.1208-4G>A (NM_199053.3).
Identifiers: ClinVar variation 772829 (VCV000772829.25), dbSNP rs200618360, ClinGen allele CA3151848.

ClinVar aggregate classification (germline): Conflicting classifications of pathogenicity. Review status: criteria provided, conflicting classifications (1 of 4 stars). 2 submissions from 2 submitters: Uncertain significance (1); Likely benign (1). Last evaluated 2025-12-17.

Conditions:
Autosomal recessive limb-girdle muscular dystrophy type R18 (LGMDR18). Also called: Limb-girdle muscular dystrophy, type 2S; Autosomal recessive limb-girdle muscular dystrophy type 2S; MUSCULAR DYSTROPHY, LIMB-GIRDLE, AUTOSOMAL RECESSIVE 18. Identifiers: Orphanet 369840, MedGen C4517996, MONDO:0014144, OMIM 615356.

Allele frequency attached by ClinVar (database versions not stated): gnomAD 0.00005; TOPMed 0.00005; gnomAD exomes 0.00008 and 0.00012; ExAC 0.00009; ESP Exome Variant Server 0.00015; 1000 Genomes Project 30x 0.00016; 1000 Genomes Project 0.00020.
gnomAD v4.1: 119 of 1,612,906 alleles (0.0074%); highest among the groups gnomAD compares: Admixed American, 0.022%; no homozygotes.

Submissions (2):

Labcorp Genetics (formerly Invitae), Labcorp
Classification: Likely benign for Autosomal recessive limb-girdle muscular dystrophy type R18. Last evaluated: 2025-12-17. Review status: criteria provided, single submitter. Criteria: Invitae Variant Classification Sherloc (09022015). Collection method: clinical testing. Allele origin: germline.

CeGaT Center for Human Genetics Tuebingen
Classification: Uncertain significance. Last evaluated: 2024-09-01. Review status: criteria provided, single submitter. Criteria: CeGaT Center For Human Genetics Tuebingen Variant Classification Criteria Version 2. Collection method: clinical testing. Allele origin: germline. Affected: yes. Observed: 1 variant allele.
Comment: TRAPPC11: PM2, BP4